The following is an entry in ClinVar:

NM_000271.5(NPC1):c.2775del (p.Asn925fs)

Gene: NPC1 (NPC intracellular cholesterol transporter 1; minus strand). Cytogenetic location: 18q11.2.
Variant type: Deletion.
Coding change: c.2775del on transcript NM_000271.5 (MANE Select); coding-DNA position 2775, one base deleted (C; older notation c.2775delC).
Protein change: p.Asn925fs; shifts the reading frame from asparagine 925.
Molecular consequence: frameshift variant.
Genome position (GRCh38, 1-based): chr18:23,539,831, G deleted on the plus strand (C on the coding strand, the reverse complement: NPC1 is on the minus strand). VCF-style (leftmost placement, unchanged base first): chr18-23539830-CG-C. GRCh37 (hg19) VCF-style: chr18-21119794-CG-C.
Other names: short protein forms N925fs.
Identifiers: ClinVar variation 370581 (VCV000370581.7), dbSNP rs1057516603, ClinGen allele CA16041912.
Genomic context (GRCh38, chr18:23,539,830, plus strand): 5'-TCCTCCGCTGCTTCTGAAGTACAAGACAAGGTGGTACTGACTAGTTGTCCAGCTGCGCCG[CG>C]TTAAATATCTGCTGCACCAGGGAATCATTGTTGCAGCCCATGCCGCCGCACACCATGTTC-3'

ClinVar aggregate classification (germline): Pathogenic. Review status: criteria provided, single submitter (1 of 4 stars). 2 submissions from 2 submitters: Pathogenic (1). 1 of the submissions does not count toward it. Last evaluated 2024-06-10.

Conditions:
Niemann-Pick disease, type C1. Also called: NEUROVISCERAL STORAGE DISEASE WITH VERTICAL SUPRANUCLEAR OPHTHALMOPLEGIA; NIEMANN-PICK DISEASE WITH CHOLESTEROL ESTERIFICATION BLOCK; NIEMANN-PICK DISEASE WITHOUT SPHINGOMYELINASE DEFICIENCY; NIEMANN-PICK DISEASE, CHRONIC NEURONOPATHIC FORM; NIEMANN-PICK DISEASE, VARIANT TYPE C1. Identifiers: Orphanet 646, MedGen C3179455, MONDO:0009757, OMIM 257220.

Allele frequency attached by ClinVar (database versions not stated): gnomAD exomes below 0.00001; TOPMed below 0.00001.

Submissions (2):

Labcorp Genetics (formerly Invitae), Labcorp
Classification: Pathogenic for Niemann-Pick disease, type C1. Last evaluated: 2024-06-10. Review status: criteria provided, single submitter. Criteria: Invitae Variant Classification Sherloc (09022015). Collection method: clinical testing. Allele origin: germline.
Comment: This sequence change creates a premature translational stop signal (p.Asn925Lysfs*11) in the NPC1 gene. It is expected to result in an absent or disrupted protein product. Loss-of-function variants in NPC1 are known to be pathogenic (PMID: 9211850). This variant is present in population databases (no rsID available, gnomAD 0.003%). This variant has not been reported in the literature in individuals affected with NPC1-related conditions. ClinVar contains an entry for this variant (Variation ID: 370581). For these reasons, this variant has been classified as Pathogenic.

Counsyl
Classification: Likely pathogenic for Niemann-Pick disease, type C1. Last evaluated: 2016-03-03. Review status: no assertion criteria provided. Collection method: clinical testing. Allele origin: unknown. Not counted in ClinVar's aggregate classification.

Literature cited by the submitters: PubMed 9211850 (cited by Labcorp Genetics (formerly Invitae), Labcorp).